The following is an entry in ClinVar:

ClinVar aggregate classification (germline): Uncertain significance (1 of 4 stars; one submission).

Allele frequency attached by ClinVar (database versions not stated): gnomAD exomes 0.00001; ExAC 0.00003.
gnomAD v4.1: 7 of 1,599,408 alleles (0.00044%); highest among the groups gnomAD compares: South Asian, 0.0079%; no homozygotes.

Submission:

GeneDx
Classification: Uncertain significance. Last evaluated: 2022-04-07. Review status: criteria provided, single submitter. Criteria: GeneDx Variant Classification Process June 2021. Collection method: clinical testing. Allele origin: germline. Affected: yes.
Comment: In silico analysis supports that this missense variant has a deleterious effect on protein structure/function; Has not been previously published as pathogenic or benign to our knowledge

NM_020812.4(DOCK6):c.1318G>A (p.Gly440Arg)

Gene: DOCK6 (dedicator of cytokinesis 6; minus strand). Cytogenetic location: 19p13.2.
Variant type: single nucleotide variant.
Coding change: c.1318G>A on transcript NM_020812.4 (MANE Select); coding-DNA position 1318, G replaced by A.
Protein change: p.Gly440Arg; replaces glycine 440 with arginine.
Molecular consequence: missense variant.
Genome position (GRCh38, 1-based): chr19:11,243,326, C>T on the plus strand (G>A on the coding strand, the complement: DOCK6 is on the minus strand). VCF-style: chr19-11243326-C-T. GRCh37 (hg19) VCF-style: chr19-11354002-C-T.
Other names: c.1318G>A, p.Gly440Arg (NM_001367830.1); short protein forms G440R.
Identifiers: ClinVar variation 1712545 (VCV001712545.2), dbSNP rs750556460, ClinGen allele CA9208175.